The following is an entry in ClinVar:

NM_014946.4(SPAST):c.269A>G (p.Lys90Arg)

Gene: SPAST (spastin; plus strand). Cytogenetic location: 2p22.3.
Variant type: single nucleotide variant.
Coding change: c.269A>G on transcript NM_014946.4 (MANE Select); coding-DNA position 269, A replaced by G.
Protein change: p.Lys90Arg; replaces lysine 90 with arginine.
Molecular consequence: missense variant.
Genome position (GRCh38, 1-based): chr2:32,064,100, A>G. VCF-style: chr2-32064100-A-G. GRCh37 (hg19) VCF-style: chr2-32289169-A-G.
Other names: c.269A>G, p.Lys90Arg (NM_001363823.2, NM_001363875.2, NM_001377959.1 and 1 more transcripts); short protein forms K90R.
Identifiers: ClinVar variation 1904656 (VCV001904656.6), dbSNP rs765434650, ClinGen allele CA1600534.

ClinVar aggregate classification (germline): Uncertain significance. Review status: criteria provided, multiple submitters, no conflicts (2 of 4 stars). 2 submissions from 2 submitters: Uncertain significance (2). Last evaluated 2026-06-23.

Conditions:
Hereditary spastic paraplegia 4. Also called: Spastic paraplegia 4, autosomal dominant; Spastic Paraplegia 4; Familial spastic paraplegia autosomal dominant 2. Identifiers: Orphanet 100985, MedGen C1866855, MONDO:0008438, OMIM 182601.
Inborn genetic diseases. Identifiers: MedGen C0950123, MeSH D030342.

Allele frequency attached by ClinVar (database versions not stated): gnomAD exomes below 0.00001; TOPMed below 0.00001; ExAC 0.00001.
gnomAD v4.1: 6 of 1,608,674 alleles (0.00037%); highest among the groups gnomAD compares: Non-Finnish European, 0.00042%; 1 homozygote.

Submissions (2):

Ambry Genetics
Classification: Uncertain significance for Inborn genetic diseases. Last evaluated: 2026-06-23. Review status: criteria provided, single submitter. Criteria: Ambry Variant Classification Scheme 2023. Collection method: clinical testing. Allele origin: germline.

Labcorp Genetics (formerly Invitae), Labcorp
Classification: Uncertain significance for Hereditary spastic paraplegia 4. Last evaluated: 2022-02-14. Review status: criteria provided, single submitter. Criteria: Invitae Variant Classification Sherloc (09022015). Collection method: clinical testing. Allele origin: germline.
Comment: This sequence change replaces lysine, which is basic and polar, with arginine, which is basic and polar, at codon 90 of the SPAST protein (p.Lys90Arg). This variant is present in population databases (rs765434650, gnomAD 0.001%). This variant has not been reported in the literature in individuals affected with SPAST-related conditions. Advanced modeling of protein sequence and biophysical properties (such as structural, functional, and spatial information, amino acid conservation, physicochemical variation, residue mobility, and thermodynamic stability) performed at Invitae indicates that this missense variant is not expected to disrupt SPAST protein function. In summary, the available evidence is currently insufficient to determine the role of this variant in disease. Therefore, it has been classified as a Variant of Uncertain Significance.